The following is an entry in ClinVar:

ClinVar aggregate classification (germline): Uncertain significance (1 of 4 stars; one submission).

gnomAD v4.1: 1 of 1,608,974 alleles (0.000062%); highest among the groups gnomAD compares: African/African-American, 0.0013%; no homozygotes.

Submission:

Labcorp Genetics (formerly Invitae), Labcorp
Classification: Uncertain significance. Last evaluated: 2024-03-24. Review status: criteria provided, single submitter. Criteria: Invitae Variant Classification Sherloc (09022015). Collection method: clinical testing. Allele origin: germline.
Comment: This sequence change replaces aspartic acid, which is acidic and polar, with glutamic acid, which is acidic and polar, at codon 354 of the CYFIP2 protein (p.Asp354Glu). This variant is present in population databases (no rsID available, gnomAD 0.01%). This variant has not been reported in the literature in individuals affected with CYFIP2-related conditions. Experimental studies and prediction algorithms are not available or were not evaluated, and the functional significance of this variant is currently unknown. In summary, the available evidence is currently insufficient to determine the role of this variant in disease. Therefore, it has been classified as a Variant of Uncertain Significance.

NM_001037333.3(CYFIP2):c.1062T>G (p.Asp354Glu)

Gene: CYFIP2 (cytoplasmic FMR1 interacting protein 2; plus strand). Cytogenetic location: 5q33.3.
Variant type: single nucleotide variant.
Coding change: c.1062T>G on transcript NM_001037333.3 (MANE Select); coding-DNA position 1062, T replaced by G.
Protein change: p.Asp354Glu; replaces aspartic acid 354 with glutamic acid.
Molecular consequence: missense variant.
Genome position (GRCh38, 1-based): chr5:157,311,733, T>G. VCF-style: chr5-157311733-T-G. GRCh37 (hg19) VCF-style: chr5-156738741-T-G.
Other names: c.984T>G, p.Asp328Glu (NM_001291721.2); c.1062T>G, p.Asp354Glu (NM_001291722.2, NM_014376.4); short protein forms D328E, D354E.
Identifiers: ClinVar variation 3686504 (VCV003686504.2).